The following is an entry in ClinVar:

GRCh37/hg19 8p23.3(chr8:184617-2136799)

Genes: ARHGEF10 (Rho guanine nucleotide exchange factor 10; plus strand), CLN8 (CLN8 transmembrane ER and ERGIC protein; plus strand), DLGAP2 (DLG associated protein 2; plus strand), ERICH1 (glutamate rich 1; minus strand), FBXO25 (F-box protein 25; plus strand) and 4 more. Cytogenetic location: 8p23.3.
Variant type: copy number loss.
Identifiers: ClinVar variation 625667 (VCV000625667.1).

ClinVar aggregate classification (germline): Likely pathogenic (1 of 4 stars; one submission).

Submission:

Baylor Genetics
Classification: Likely pathogenic. Last evaluated: 2018-11-01. Review status: criteria provided, single submitter. Criteria: ACMG CNV Guidelines, 2011. Collection method: clinical testing. Allele origin: germline. Observed: 1 variant allele.